The following is an entry in ClinVar:

ClinVar aggregate classification (germline): Likely benign (1 of 4 stars; one submission).

Submission:

GeneDx
Classification: Likely benign. Last evaluated: 2018-01-23. Review status: criteria provided, single submitter. Criteria: GeneDx Variant Classification (06012015). Collection method: clinical testing. Allele origin: germline. Affected: yes.
Comment: This variant is considered likely benign or benign based on one or more of the following criteria: it is a conservative change, it occurs at a poorly conserved position in the protein, it is predicted to be benign by multiple in silico algorithms, and/or has population frequency not consistent with disease.

NM_001267550.2(TTN):c.15032T>C (p.Ile5011Thr)

Gene: TTN (titin; minus strand). Cytogenetic location: 2q31.2.
Variant type: single nucleotide variant.
Coding change: c.15032T>C on transcript NM_001267550.2 (MANE Select); coding-DNA position 15032, T replaced by C.
Protein change: p.Ile5011Thr; replaces isoleucine 5011 with threonine.
Molecular consequence: missense variant. On other transcripts: intron variant (3).
Genome position (GRCh38, 1-based): chr2:178,734,892, A>G on the plus strand (T>C on the coding strand, the complement: TTN is on the minus strand). VCF-style: chr2-178734892-A-G. GRCh37 (hg19) VCF-style: chr2-179599619-A-G.
Other names: p.I4694T:ATC>ACC; c.14081T>C, p.Ile4694Thr (NM_001256850.1); c.11300T>C, p.Ile3767Thr (NM_133378.4); c.13282+3190T>C (NM_003319.4); c.13858+3190T>C (NM_133437.4); c.13657+3190T>C (NM_133432.3); short protein forms I4694T, I5011T, I3767T.
Identifiers: ClinVar variation 203243 (VCV000203243.1), dbSNP rs794729607, ClinGen allele CA311785.